The following is an entry in ClinVar:

NM_032730.5(RTN4IP1):c.317dup (p.Leu106fs)

Gene: RTN4IP1 (reticulon 4 interacting protein 1; minus strand). Cytogenetic location: 6q21.
Variant type: Duplication.
Coding change: c.317dup on transcript NM_032730.5 (MANE Select); coding-DNA position 317, one base duplicated (T; older notation c.317dupT).
Protein change: p.Leu106fs; shifts the reading frame from leucine 106.
Molecular consequence: frameshift variant.
Genome position (GRCh38, 1-based): chr6:106,622,927, A duplicated on the plus strand (T on the coding strand, the reverse complement: RTN4IP1 is on the minus strand); the first of 3 consecutive A bases (chr6:106,622,927-106,622,929); duplicating any one gives the same sequence. VCF-style (leftmost placement, unchanged base first): chr6-106622926-T-TA. GRCh37 (hg19) VCF-style: chr6-107070801-T-TA.
Other names: c.17dup, p.Leu6fs (NM_001318746.1); short protein forms L106fs, L6fs.
Identifiers: ClinVar variation 4884496 (VCV004884496.1).

ClinVar aggregate classification (germline): Likely pathogenic (1 of 4 stars; one submission).

Conditions:
Optic atrophy 10 with or without ataxia, impaired intellectual development, and seizures. Also called: OPTIC ATROPHY 10 WITH OR WITHOUT ATAXIA, MENTAL RETARDATION, AND SEIZURES; Optic atrophy 10 with or without ataxia, intellectual disability, and seizures. Identifiers: MedGen C4225227, MONDO:0020737, OMIM 616732.

Submission:

Diagnostics Services (NGS), CSIR - Centre For Cellular And Molecular Biology
Classification: Likely pathogenic for Optic atrophy 10 with or without ataxia, impaired intellectual development, and seizures. Last evaluated: 2026-07-20. Review status: criteria provided, single submitter. Criteria: ACMG Guidelines, 2015. Collection method: clinical testing. Allele origin: germline. Affected: yes. Observed: 1 variant allele, 1 heterozygote.
Comment: The c.317dup variant is not present in 1000 Genomes, EVS, gnomAD, Indian Exome Database or our internal database. This variant has neither been published in the literature for RTN4IP1-related conditions nor reported to HGMD, OMIM, or ClinVar databases, in any affected individuals. In-silico pathogenicity prediction programs like MutationTaster2021, CADD, Franklin, Varsome etc predicted this variant to be likely deleterious. This variant causes a frameshift at the 106th amino acid position of the wild-type transcript which creates a premature translational stop signal at the altered transcript which may either result in translation of a truncated protein or cause nonsense-mediated decay of the mRNA.